The following is an entry in ClinVar:

NM_152743.4(BRAT1):c.988G>C (p.Ala330Pro)

Gene: BRAT1 (BRCA1 associated ATM activator 1; minus strand). Cytogenetic location: 7p22.3.
Variant type: single nucleotide variant.
Coding change: c.988G>C on transcript NM_152743.4 (MANE Select); coding-DNA position 988, G replaced by C.
Protein change: p.Ala330Pro; replaces alanine 330 with proline.
Molecular consequence: missense variant. On other transcripts: non-coding transcript variant (1).
Genome position (GRCh38, 1-based): chr7:2,542,147, C>G on the plus strand (G>C on the coding strand, the complement: BRAT1 is on the minus strand). VCF-style: chr7-2542147-C-G. GRCh37 (hg19) VCF-style: chr7-2581781-C-G.
Other names: c.988G>C, p.Ala330Pro (NM_001350626.2); c.463G>C, p.Ala155Pro (NM_001350627.2); short protein forms A155P, A330P.
Identifiers: ClinVar variation 1975296 (VCV001975296.2), dbSNP rs924598376, ClinGen allele CA366630253.

ClinVar aggregate classification (germline): Uncertain significance (1 of 4 stars; one submission).

Conditions:
Neonatal-onset encephalopathy with rigidity and seizures. Also called: Lethal neonatal spasticity-epileptic encephalopathy syndrome. Identifiers: Orphanet 435845, MedGen C3281029, MONDO:0013784, OMIM 614498.

gnomAD v4.1: 2 of 1,567,830 alleles (0.00013%); highest among the groups gnomAD compares: Admixed American, 0.0038%; no homozygotes.

Submission:

Labcorp Genetics (formerly Invitae), Labcorp
Classification: Uncertain significance for Neonatal-onset encephalopathy with rigidity and seizures. Last evaluated: 2022-07-30. Review status: criteria provided, single submitter. Criteria: Invitae Variant Classification Sherloc (09022015). Collection method: clinical testing. Allele origin: germline.
Comment: This sequence change replaces alanine, which is neutral and non-polar, with proline, which is neutral and non-polar, at codon 330 of the BRAT1 protein (p.Ala330Pro). The frequency data for this variant in the population databases is considered unreliable, as metrics indicate poor data quality at this position in the gnomAD database. This variant has not been reported in the literature in individuals affected with BRAT1-related conditions. Algorithms developed to predict the effect of missense changes on protein structure and function are either unavailable or do not agree on the potential impact of this missense change (SIFT: "Deleterious"; PolyPhen-2: "Benign"; Align-GVGD: "Class C0"). In summary, the available evidence is currently insufficient to determine the role of this variant in disease. Therefore, it has been classified as a Variant of Uncertain Significance.